The following is an entry in ClinVar:

NM_006348.5(COG5):c.1663A>G (p.Lys555Glu)

Genes: COG5 (component of oligomeric golgi complex 5; minus strand), LOC129389837 (MPRA-validated peak6677 silencer; plus strand). Cytogenetic location: 7q22.3.
Variant type: single nucleotide variant.
Coding change: c.1663A>G on transcript NM_006348.5 (MANE Select); coding-DNA position 1663, A replaced by G.
Protein change: p.Lys555Glu; replaces lysine 555 with glutamic acid.
Molecular consequence: missense variant. On other transcripts: intron variant (1).
Genome position (GRCh38, 1-based): chr7:107,258,296, T>C on the plus strand (A>G on the coding strand, the complement: COG5 is on the minus strand). VCF-style: chr7-107258296-T-C. GRCh37 (hg19) VCF-style: chr7-106898741-T-C.
Other names: c.1663A>G, p.Lys555Glu (NM_001161520.2, NM_001379513.1, NM_001379514.1 and 1 more transcripts); c.1501A>G, p.Lys501Glu (NM_001379511.1); c.1093A>G, p.Lys365Glu (NM_001379515.1); c.949A>G, p.Lys317Glu (NM_001379516.1); c.1576-9797A>G (NM_001379512.1); short protein forms K555E, K317E, K365E, K501E.
Identifiers: ClinVar variation 1387071 (VCV001387071.8), dbSNP rs145616048, ClinGen allele CA368940957.
Genomic context (GRCh38, chr7:107,258,296, plus strand): 5'-TAAAATTAAGTAAAAAAAAACTTAATAAAATAGTTACCTTTGTTACTGATTGGTGCAACT[T>C]ATACAATGAATTCACTACTGCCACATTTCTTCTCTGTCCTTCAGTAAGAGGCCCAATCAC-3'
Protein context (NP_006339.4, residues 545-565): RNVAVVNSLY[Lys555Glu]LHQSVTKVVS

ClinVar aggregate classification (germline): Uncertain significance (1 of 4 stars; one submission).

Conditions:
COG5-congenital disorder of glycosylation. Also called: CONGENITAL DISORDER OF GLYCOSYLATION, TYPE IIi; CDG IIi; COG5-CDG. Identifiers: Orphanet 263487, MedGen C3150876, MONDO:0013325, OMIM 613612.

Allele frequency attached by ClinVar (database versions not stated): TOPMed below 0.00001.
gnomAD v4.1: 1 of 1,609,958 alleles (0.000062%); highest among the groups gnomAD compares: Non-Finnish European, 0.000085%; no homozygotes.

Submission:

Labcorp Genetics (formerly Invitae), Labcorp
Classification: Uncertain significance for COG5-congenital disorder of glycosylation. Last evaluated: 2022-01-07. Review status: criteria provided, single submitter. Criteria: Invitae Variant Classification Sherloc (09022015). Collection method: clinical testing. Allele origin: germline.
Comment: In summary, the available evidence is currently insufficient to determine the role of this variant in disease. Therefore, it has been classified as a Variant of Uncertain Significance. Algorithms developed to predict the effect of missense changes on protein structure and function (SIFT, PolyPhen-2, Align-GVGD) all suggest that this variant is likely to be tolerated. This variant has not been reported in the literature in individuals affected with COG5-related conditions. This variant is not present in population databases (gnomAD no frequency). This sequence change replaces lysine, which is basic and polar, with glutamic acid, which is acidic and polar, at codon 586 of the COG5 protein (p.Lys586Glu).